The following is an entry in ClinVar:

NM_003242.6(TGFBR2):c.740A>T (p.Asp247Val)

Gene: TGFBR2 (transforming growth factor beta receptor 2; plus strand). Cytogenetic location: 3p24.1.
Variant type: single nucleotide variant.
Coding change: c.740A>T on transcript NM_003242.6 (MANE Select); coding-DNA position 740, A replaced by T.
Protein change: p.Asp247Val; replaces aspartic acid 247 with valine.
Molecular consequence: missense variant.
Genome position (GRCh38, 1-based): chr3:30,671,923, A>T. VCF-style: chr3-30671923-A-T. GRCh37 (hg19) VCF-style: chr3-30713415-A-T.
Other names: c.848A>T, p.Asp283Val (NM_001407127.1); c.767A>T, p.Asp256Val (NM_001407128.1); c.743A>T, p.Asp248Val (NM_001407129.1); c.740A>T, p.Asp247Val (NM_001407130.1); c.635A>T, p.Asp212Val (NM_001407132.1, NM_001407133.1, NM_001407134.1 and 2 more transcripts); c.455A>T, p.Asp152Val (NM_001407137.1); c.815A>T, p.Asp272Val (NM_001024847.3); c.923A>T, p.Asp308Val (NM_001407126.1); and 1 more; short protein forms D272V, D247V, D127V, D212V, D283V, D152V, D248V, D256V.
Identifiers: ClinVar variation 918623 (VCV000918623.17), dbSNP rs761231369, ClinGen allele CA049770.

ClinVar aggregate classification (germline): Uncertain significance. Review status: criteria provided, multiple submitters, no conflicts (2 of 4 stars). 6 submissions from 6 submitters: Uncertain significance (6). Last evaluated 2025-11-05.

Conditions:
Familial thoracic aortic aneurysm and aortic dissection (TAAD). Also called: Thoracic aortic aneurysms and dissections. Identifiers: Orphanet 91387, MedGen C4707243, MONDO:0019625.
Loeys-Dietz syndrome 2 (LDS2). Also called: TGFBR2-Related Loeys-Dietz Syndrome; AORTIC ANEURYSM, FAMILIAL THORACIC 3; MARFAN SYNDROME, TYPE II; Marfan Syndrome type 2; Marfan like connective tissue disorder; MFS 2. Identifiers: Orphanet 284973, Orphanet 558, MedGen C2674574, MONDO:0012427, OMIM 610168.

Allele frequency attached by ClinVar (database versions not stated): gnomAD exomes below 0.00001 and 0.00001; gnomAD 0.00001; ExAC 0.00002; TOPMed 0.00002.
gnomAD v4.1: 5 of 1,614,084 alleles (0.00031%); highest among the groups gnomAD compares: East Asian, 0.011%; no homozygotes.

Submissions (6):

Prenatal Diagnosis Unit, University Medical Center at Ho Chi Minh City, University of Medicine and Pharmacy at Ho Chi Minh City
Classification: Uncertain significance for Loeys-Dietz syndrome 2. Last evaluated: 2025-11-05. Review status: criteria provided, single submitter. Criteria: ACMG Guidelines, 2015. Collection method: provider interpretation. Allele origin: unknown. Inheritance: Autosomal dominant inheritance. Affected: yes. Observed: 1 variant allele.
Comment: This missense variant has been reported in one individual presenting with skeletal abnormalities, aortic dilation, and striae atrophicae, and was absent in 50 unaffected individuals (PMID: 19533785). Missense variants are a well-established pathogenic mechanism in Loeys–Dietz syndrome (LDS) (PMID: 18781618). This variant has been identified in 3 out of 281,270 chromosomes in the general population according to the Genome Aggregation Database (gnomAD), with a missense constraint Z score of 3.2—above the significant threshold of 3.09that distinguishes missense-constrained from unconstrained genes (PMID: 31479589). In silico protein modeling performed by Invitae evaluated the variant’s impact on TGFBR2 protein based on structural, functional, and physicochemical parameters (including amino acid conservation, residue mobility, and thermodynamic stability). However, the analysis did not reach the statistical confidence threshold required to predict a functional effect. In conclusion, this variant is classified as a Variant of Uncertain Significance (VUS) according to the ACMG/AMP 2015 guidelines, based on criteria PS4 and PP2

Labcorp Genetics (formerly Invitae), Labcorp
Classification: Uncertain significance for Familial thoracic aortic aneurysm and aortic dissection. Last evaluated: 2024-05-20. Review status: criteria provided, single submitter. Criteria: Invitae Variant Classification Sherloc (09022015). Collection method: clinical testing. Allele origin: germline.
Comment: This sequence change replaces aspartic acid, which is acidic and polar, with valine, which is neutral and non-polar, at codon 247 of the TGFBR2 protein (p.Asp247Val). This variant is present in population databases (rs761231369, gnomAD 0.02%). This missense change has been observed in individual(s) with clinical features of TGFBR2-related conditions (PMID: 19533785). ClinVar contains an entry for this variant (Variation ID: 918623). Advanced modeling of protein sequence and biophysical properties (such as structural, functional, and spatial information, amino acid conservation, physicochemical variation, residue mobility, and thermodynamic stability) has been performed at Invitae for this missense variant, however the output from this modeling did not meet the statistical confidence thresholds required to predict the impact of this variant on TGFBR2 protein function. In summary, the available evidence is currently insufficient to determine the role of this variant in disease. Therefore, it has been classified as a Variant of Uncertain Significance.

All of Us Research Program, National Institutes of Health
Classification: Uncertain significance for Loeys-Dietz syndrome 2. Last evaluated: 2023-12-13. Review status: criteria provided, single submitter. Criteria: ACMG Guidelines, 2015. Collection method: clinical testing. Allele origin: germline. Inheritance: Autosomal dominant inheritance. Observed: 5 variant alleles, 5 heterozygotes.
Comment: This missense variant replaces aspartic acid with valine at codon 272 of the TGFBR2 protein. Computational prediction tools and conservation analyses are inconclusive regarding the impact of this variant on protein function. Computational splicing tools suggest that this variant may not impact RNA splicing. To our knowledge, functional assays have not been performed for this variant nor has this variant been reported in individuals affected with cardiovascular disorders in the literature. This variant has been identified in 3/281270 chromosomes in the general population by the Genome Aggregation Database (gnomAD). Available evidence is insufficient to determine the role of this variant in disease conclusively. Therefore, this variant is classified as a Variant of Uncertain Significance.

This study involves interpretation of variants in research participants for the purpose of population health screening. Participant phenotype was not available at the time of variant classification. Additional details can be found in publication PMID: 35346344, PMCID: PMC8962531

Color Diagnostics, LLC DBA Color Health
Classification: Uncertain significance for Familial thoracic aortic aneurysm and aortic dissection. Last evaluated: 2023-11-22. Review status: criteria provided, single submitter. Criteria: ACMG Guidelines, 2015. Collection method: clinical testing. Allele origin: germline.
Comment: This missense variant replaces aspartic acid with valine at codon 247 of the TGFBR2 protein. Computational prediction suggests that this variant may have deleterious impact on protein structure and function. To our knowledge, functional studies have not been reported for this variant. This variant has been reported in one individual affected with skeletal problems, aortic dilation, and striae atrophicae (PMID: 19533785). This variant has been identified in 3/281270 chromosomes in the general population by the Genome Aggregation Database (gnomAD). The available evidence is insufficient to determine the role of this variant in disease conclusively. Therefore, this variant is classified as a Variant of Uncertain Significance.

Revvity Omics, Revvity
Classification: Uncertain significance. Last evaluated: 2022-05-06. Review status: criteria provided, single submitter. Criteria: ACMG Guidelines, 2015. Collection method: clinical testing. Allele origin: germline.

Ambry Genetics
Classification: Uncertain significance for Familial thoracic aortic aneurysm and aortic dissection. Last evaluated: 2020-12-23. Review status: criteria provided, single submitter. Criteria: Ambry Variant Classification Scheme 2023. Collection method: clinical testing. Allele origin: germline.
Comment: The p.D247V variant (also known as c.740A>T), located in coding exon 4 of the TGFBR2 gene, results from an A to T substitution at nucleotide position 740. The aspartic acid at codon 247 is replaced by valine, an amino acid with highly dissimilar properties. This alteration was reported in a subject with aortic root dilation and stria (Chung BH et al. Am J Med Genet A, 2009 Jul;149A:1452-9). This amino acid position is highly conserved in available vertebrate species. In addition, this alteration is predicted to be deleterious by in silico analysis. Since supporting evidence is limited at this time, the clinical significance of this alteration remains unclear.

Literature cited by the submitters: PubMed 19533785 (cited by 4 submitters); PubMed 18781618 (cited by Prenatal Diagnosis Unit, University Medical Center at Ho Chi Minh City, University of Medicine and Pharmacy at Ho Chi Minh City).